The following is an entry in ClinVar:

NM_001206927.2(DNAH8):c.2980A>T (p.Ile994Leu)

Gene: DNAH8 (dynein axonemal heavy chain 8; plus strand). Cytogenetic location: 6p21.2.
Variant type: single nucleotide variant.
Coding change: c.2980A>T on transcript NM_001206927.2 (MANE Select); coding-DNA position 2980, A replaced by T.
Protein change: p.Ile994Leu; replaces isoleucine 994 with leucine.
Molecular consequence: missense variant.
Genome position (GRCh38, 1-based): chr6:38,803,257, A>T. VCF-style: chr6-38803257-A-T. GRCh37 (hg19) VCF-style: chr6-38771033-A-T.
Other names: c.2329A>T, p.Ile777Leu (NM_001371.4); short protein forms I994L, I777L.
Identifiers: ClinVar variation 407282 (VCV000407282.10), dbSNP rs141818413, ClinGen allele CA3788680.

ClinVar aggregate classification (germline): Uncertain significance. Review status: criteria provided, multiple submitters, no conflicts (2 of 4 stars). 3 submissions from 3 submitters: Uncertain significance (3). Last evaluated 2025-01-07.

Conditions:
Spermatogenic failure 46. Identifiers: MedGen C5436799, MONDO:0033673, OMIM 619095.
Primary ciliary dyskinesia. Also called: Ciliary dyskinesia. Identifiers: Orphanet 244, MedGen C0008780, MONDO:0016575, HP:0012265.

Allele frequency attached by ClinVar (database versions not stated): gnomAD exomes 0.00005; ExAC 0.00008; ESP Exome Variant Server 0.00008; TOPMed 0.00013; gnomAD 0.00019; 1000 Genomes Project 30x 0.00031; 1000 Genomes Project 0.00040.
gnomAD v4.1: 74 of 1,609,684 alleles (0.0046%); highest among the groups gnomAD compares: African/African-American, 0.071%; 1 homozygote.

Submissions (3):

Labcorp Genetics (formerly Invitae), Labcorp
Classification: Uncertain significance for Primary ciliary dyskinesia. Last evaluated: 2025-01-07. Review status: criteria provided, single submitter. Criteria: Invitae Variant Classification Sherloc (09022015). Collection method: clinical testing. Allele origin: germline.
Comment: This sequence change replaces isoleucine, which is neutral and non-polar, with leucine, which is neutral and non-polar, at codon 994 of the DNAH8 protein (p.Ile994Leu). This variant is present in population databases (rs141818413, gnomAD 0.07%). This variant has not been reported in the literature in individuals affected with DNAH8-related conditions. ClinVar contains an entry for this variant (Variation ID: 407282). Invitae Evidence Modeling of protein sequence and biophysical properties (such as structural, functional, and spatial information, amino acid conservation, physicochemical variation, residue mobility, and thermodynamic stability) indicates that this missense variant is not expected to disrupt DNAH8 protein function with a negative predictive value of 80%. In summary, the available evidence is currently insufficient to determine the role of this variant in disease. Therefore, it has been classified as a Variant of Uncertain Significance.

Fulgent Genetics
Classification: Uncertain significance for Spermatogenic failure 46. Last evaluated: 2021-07-21. Review status: criteria provided, single submitter. Criteria: ACMG Guidelines, 2015. Collection method: clinical testing. Allele origin: unknown.

Breakthrough Genomics
Classification: Uncertain significance. Review status: criteria provided, single submitter. Criteria: ACMG Guidelines, 2015. Collection method: not provided. Allele origin: germline. Inheritance: Autosomal recessive inheritance. Affected: yes.